The following is an entry in ClinVar:

NM_001077365.2(POMT1):c.*68C>T

Gene: POMT1 (protein O-mannosyltransferase 1; plus strand). Cytogenetic location: 9q34.13.
Variant type: single nucleotide variant.
Coding change: c.*68C>T on transcript NM_001077365.2 (MANE Select); 68 bases downstream of the stop codon, C replaced by T.
Molecular consequence: 3 prime UTR variant. On other transcripts: non-coding transcript variant (7).
Genome position (GRCh38, 1-based): chr9:131,523,174, C>T. VCF-style: chr9-131523174-C-T. GRCh37 (hg19) VCF-style: chr9-134398561-C-T.
Other names: c.*68C>T (NM_001077366.2, NM_001136113.2, NM_001136114.2 and 15 more transcripts).
Identifiers: ClinVar variation 365286 (VCV000365286.7), dbSNP rs773474667, ClinGen allele CA10632872.
Genomic context (GRCh38, chr9:131,523,174, plus strand): 5'-GTGTGGCAAAGAACACCCGTGCTGGGGTCGGGATGAGGTTGAAGGGTCTTGGTCAATGTA[C>T]GTAATGAGCAGGGTGGGCCCCACGCTGGGAGGACACGGGCTGGGCTGAGCAGGGCCTCTA-3'

ClinVar aggregate classification (germline): Uncertain significance. Review status: criteria provided, multiple submitters, no conflicts (2 of 4 stars). 2 submissions from 2 submitters: Uncertain significance (2). Last evaluated 2025-09-17.

Conditions:
Autosomal recessive limb-girdle muscular dystrophy type 2K. Also called: MUSCULAR DYSTROPHY-DYSTROGLYCANOPATHY (LIMB-GIRDLE), TYPE C, 1; MUSCULAR DYSTROPHY, LIMB-GIRDLE, TYPE 2K. Identifiers: Orphanet 86812, MedGen C1836373, MONDO:0012248, OMIM 609308.

Allele frequency attached by ClinVar (database versions not stated): gnomAD exomes 0.00002; gnomAD 0.00004; TOPMed 0.00005.
gnomAD v4.1: 34 of 1,560,486 alleles (0.0022%); highest among the groups gnomAD compares: East Asian, 0.025%; no homozygotes.

Submissions (2):

Dasa
Classification: Uncertain significance. Last evaluated: 2025-09-17. Review status: criteria provided, single submitter. Criteria: DASA Assertion Criteria. Collection method: clinical testing. Allele origin: germline.
Comment: NM_001077365.2(POMT1):c.*68C>T is a sequence variant. This variant has been observed in affected individuals with POMT1-related disorders. Also, this variant is rare in population databases. Computational prediction algorithms are consistent with a benign effect. The currently available literature and clinical evidence are not sufficient to establish a definitive association between this variant and the reported condition. Therefore, this variant is classified as a variant of uncertain significance.

Illumina Laboratory Services, Illumina
Classification: Uncertain significance for Autosomal recessive limb-girdle muscular dystrophy type 2K. Last evaluated: 2018-01-13. Review status: criteria provided, single submitter. Criteria: ICSL Variant Classification Criteria 13 December 2019. Collection method: clinical testing. Allele origin: germline.